The following is an entry in ClinVar:

NM_000158.4(GBE1):c.314-2A>G

Gene: GBE1 (1,4-alpha-glucan branching enzyme 1; minus strand). Cytogenetic location: 3p12.2.
Variant type: single nucleotide variant.
Coding change: c.314-2A>G on transcript NM_000158.4 (MANE Select); the canonical splice acceptor site of the intron before coding-DNA position 314, A replaced by G.
Molecular consequence: splice acceptor variant.
Genome position (GRCh38, 1-based): chr3:81,670,955, T>C on the plus strand (A>G on the coding strand, the complement: GBE1 is on the minus strand). VCF-style: chr3-81670955-T-C. GRCh37 (hg19) VCF-style: chr3-81720106-T-C.
Identifiers: ClinVar variation 1476700 (VCV001476700.8), dbSNP rs2107114825, ClinGen allele CA353689072.

ClinVar aggregate classification (germline): Likely pathogenic (1 of 4 stars; one submission).

Conditions:
Glycogen storage disease, type IV (GSD4). Also called: AMYLOPECTINOSIS; ANDERSEN DISEASE; BRANCHER DEFICIENCY; CIRRHOSIS, FAMILIAL, WITH DEPOSITION OF ABNORMAL GLYCOGEN; GBE1 DEFICIENCY; GLYCOGEN BRANCHING ENZYME DEFICIENCY. Identifiers: Orphanet 367, MedGen C0017923, MONDO:0009292, OMIM 232500.
Glycogen storage disease IV, classic hepatic. Also called: GSD IV, CLASSIC HEPATIC. Identifiers: MedGen C1856301.

Submission:

Labcorp Genetics (formerly Invitae), Labcorp
Classification: Likely pathogenic for Glycogen storage disease, type IV; Glycogen storage disease IV, classic hepatic. Last evaluated: 2023-04-26. Review status: criteria provided, single submitter. Criteria: Invitae Variant Classification Sherloc (09022015). Collection method: clinical testing. Allele origin: germline.
Comment: In summary, the currently available evidence indicates that the variant is pathogenic, but additional data are needed to prove that conclusively. Therefore, this variant has been classified as Likely Pathogenic. Algorithms developed to predict the effect of sequence changes on RNA splicing suggest that this variant may disrupt the consensus splice site. ClinVar contains an entry for this variant (Variation ID: 1476700). This variant has not been reported in the literature in individuals affected with GBE1-related conditions. This variant is not present in population databases (gnomAD no frequency). This sequence change affects an acceptor splice site in intron 2 of the GBE1 gene. It is expected to disrupt RNA splicing. Variants that disrupt the donor or acceptor splice site typically lead to a loss of protein function (PMID: 16199547), and loss-of-function variants in GBE1 are known to be pathogenic (PMID: 15452297, 20058079).

Literature cited by the submitters: PubMed 16199547; PubMed 15452297; PubMed 20058079.